The following is an entry in ClinVar:

NM_145045.5(ODAD3):c.250G>C (p.Asp84His)

Gene: ODAD3 (outer dynein arm docking complex subunit 3; minus strand). Cytogenetic location: 19p13.2.
Variant type: single nucleotide variant.
Coding change: c.250G>C on transcript NM_145045.5 (MANE Select); coding-DNA position 250, G replaced by C.
Protein change: p.Asp84His; replaces aspartic acid 84 with histidine.
Molecular consequence: missense variant.
Genome position (GRCh38, 1-based): chr19:11,431,015, C>G on the plus strand (G>C on the coding strand, the complement: ODAD3 is on the minus strand). VCF-style: chr19-11431015-C-G. GRCh37 (hg19) VCF-style: chr19-11541835-C-G.
Other names: c.88G>C, p.Asp30His (NM_001302453.1); c.250G>C, p.Asp84His (NM_001302454.2); short protein forms D84H, D30H.
Identifiers: ClinVar variation 651645 (VCV000651645.9), dbSNP rs148235598, ClinGen allele CA9212477.

ClinVar aggregate classification (germline): Uncertain significance. Review status: criteria provided, multiple submitters, no conflicts (2 of 4 stars). 2 submissions from 2 submitters: Uncertain significance (2). Last evaluated 2024-11-27.

Conditions:
Primary ciliary dyskinesia 30. Also called: CILIARY DYSKINESIA, PRIMARY, 30, WITH OR WITHOUT SITUS INVERSUS. Identifiers: Orphanet 244, MedGen C4015016, MONDO:0014465, OMIM 616037.

Allele frequency attached by ClinVar (database versions not stated): gnomAD exomes 0.00001 and 0.00002; ExAC 0.00004; gnomAD 0.00006; ESP Exome Variant Server 0.00008; TOPMed 0.00008; 1000 Genomes Project 0.00060; 1000 Genomes Project 30x 0.00078.
gnomAD v4.1: 23 of 1,614,088 alleles (0.0014%); highest among the groups gnomAD compares: African/African-American, 0.025%; no homozygotes.

Submissions (2):

Labcorp Genetics (formerly Invitae), Labcorp
Classification: Uncertain significance for Primary ciliary dyskinesia 30. Last evaluated: 2024-11-27. Review status: criteria provided, single submitter. Criteria: Invitae Variant Classification Sherloc (09022015). Collection method: clinical testing. Allele origin: germline.
Comment: This sequence change replaces aspartic acid, which is acidic and polar, with histidine, which is basic and polar, at codon 84 of the CCDC151 protein (p.Asp84His). This variant is present in population databases (rs148235598, gnomAD 0.03%). This variant has not been reported in the literature in individuals affected with CCDC151-related conditions. ClinVar contains an entry for this variant (Variation ID: 651645). An algorithm developed to predict the effect of missense changes on protein structure and function (PolyPhen-2) suggests that this variant is likely to be disruptive. In summary, the available evidence is currently insufficient to determine the role of this variant in disease. Therefore, it has been classified as a Variant of Uncertain Significance.

GeneDx
Classification: Uncertain significance. Last evaluated: 2022-04-27. Review status: criteria provided, single submitter. Criteria: GeneDx Variant Classification Process June 2021. Collection method: clinical testing. Allele origin: germline. Affected: yes.
Comment: In silico analysis supports that this missense variant has a deleterious effect on protein structure/function; Has not been previously published as pathogenic or benign to our knowledge